The following is an entry in ClinVar:

NM_003737.4(DCHS1):c.4548C>T (p.Thr1516=)

Gene: DCHS1 (dachsous cadherin-related 1; minus strand). Cytogenetic location: 11p15.4.
Variant type: single nucleotide variant.
Coding change: c.4548C>T on transcript NM_003737.4 (MANE Select); coding-DNA position 4548, C replaced by T.
Protein change: p.Thr1516=; no amino-acid change (threonine 1516 retained).
Molecular consequence: synonymous variant.
Genome position (GRCh38, 1-based): chr11:6,630,246, G>A on the plus strand (C>T on the coding strand, the complement: DCHS1 is on the minus strand). VCF-style: chr11-6630246-G-A. GRCh37 (hg19) VCF-style: chr11-6651477-G-A.
Identifiers: ClinVar variation 2101035 (VCV002101035.6), dbSNP rs1223211526, ClinGen allele CA473240111.

ClinVar aggregate classification (germline): Likely benign. Review status: criteria provided, multiple submitters, no conflicts (2 of 4 stars). 2 submissions from 2 submitters: Likely benign (2). Last evaluated 2026-04-01.

gnomAD v4.1: 5 of 1,547,066 alleles (0.00032%); highest among the groups gnomAD compares: Non-Finnish European, 0.00043%; no homozygotes.

Submissions (2):

CeGaT Center for Human Genetics Tuebingen
Classification: Likely benign. Last evaluated: 2026-04-01. Review status: criteria provided, single submitter. Criteria: CeGaT Center For Human Genetics Tuebingen Variant Classification Criteria Version 2. Collection method: clinical testing. Allele origin: germline. Affected: yes. Observed: 1 variant allele.
Comment: DCHS1: BP4, BP7

Labcorp Genetics (formerly Invitae), Labcorp
Classification: Likely benign. Last evaluated: 2022-05-03. Review status: criteria provided, single submitter. Criteria: Invitae Variant Classification Sherloc (09022015). Collection method: clinical testing. Allele origin: germline.